The following is an entry in ClinVar:

NM_004539.4(NARS1):c.959C>T (p.Ser320Leu)

Gene: NARS1 (asparaginyl-tRNA synthetase 1; minus strand). Cytogenetic location: 18q21.31.
Variant type: single nucleotide variant.
Coding change: c.959C>T on transcript NM_004539.4 (MANE Select); coding-DNA position 959, C replaced by T.
Protein change: p.Ser320Leu; replaces serine 320 with leucine.
Molecular consequence: missense variant.
Genome position (GRCh38, 1-based): chr18:57,607,176, G>A on the plus strand (C>T on the coding strand, the complement: NARS1 is on the minus strand). VCF-style: chr18-57607176-G-A. GRCh37 (hg19) VCF-style: chr18-55274408-G-A.
Other names: short protein forms S320L.
Identifiers: ClinVar variation 5017325 (VCV005017325.1).

ClinVar aggregate classification (germline): Uncertain significance (1 of 4 stars; one submission).

Submission:

GeneDx
Classification: Uncertain significance. Last evaluated: 2026-04-04. Review status: criteria provided, single submitter. Criteria: GeneDx Variant Classification Process June 2021. Collection method: clinical testing. Allele origin: germline.
Comment: Not observed at significant frequency in large population cohorts (gnomAD); In silico analysis supports that this missense variant has a deleterious effect on protein structure/function; Has not been previously published as pathogenic or benign to our knowledge.